The following is an entry in ClinVar:

ClinVar aggregate classification (germline): Pathogenic/Likely pathogenic. Review status: criteria provided, multiple submitters, no conflicts (2 of 4 stars). 2 submissions from 2 submitters: Pathogenic (1); Likely pathogenic (1). Last evaluated 2025-03-05.

Submissions (2):

Dasa
Classification: Likely pathogenic. Last evaluated: 2025-03-05. Review status: criteria provided, single submitter. Criteria: DASA Assertion Criteria. Collection method: clinical testing. Allele origin: germline.
Comment: NM_001845.6(COL4A1):c.3041G>A (p.Gly1014Asp) is a missense variant that results in the substitution of glycine with aspartic acid. The affected residue or protein region has prior evidence supporting clinical relevance. This variant is absent from population databases. Computational evidence supports a deleterious effect. Based on the currently available evidence, this variant is classified as likely pathogenic.

CeGaT Center for Human Genetics Tuebingen
Classification: Pathogenic. Last evaluated: 2023-05-01. Review status: criteria provided, single submitter. Criteria: CeGaT Center For Human Genetics Tuebingen Variant Classification Criteria Version 2. Collection method: clinical testing. Allele origin: germline. Affected: yes. Observed: 1 variant allele.
Comment: COL4A1: PM1:Strong, PM2, PM5, PP3, PS4:Supporting

NM_001845.6(COL4A1):c.3041G>A (p.Gly1014Asp)

Gene: COL4A1 (collagen type IV alpha 1 chain; minus strand). Cytogenetic location: 13q34.
Variant type: single nucleotide variant.
Coding change: c.3041G>A on transcript NM_001845.6 (MANE Select); coding-DNA position 3041, G replaced by A.
Protein change: p.Gly1014Asp; replaces glycine 1014 with aspartic acid.
Molecular consequence: missense variant.
Genome position (GRCh38, 1-based): chr13:110,176,441, C>T on the plus strand (G>A on the coding strand, the complement: COL4A1 is on the minus strand). VCF-style: chr13-110176441-C-T. GRCh37 (hg19) VCF-style: chr13-110828788-C-T.
Other names: short protein forms G1014D.
Identifiers: ClinVar variation 2570872 (VCV002570872.29), dbSNP rs2501775550, ClinGen allele CA388665744.